The following is an entry in ClinVar:

ClinVar aggregate classification (germline): Uncertain significance (1 of 4 stars; one submission).

Submission:

Labcorp Genetics (formerly Invitae), Labcorp
Classification: Uncertain significance. Last evaluated: 2024-03-20. Review status: criteria provided, single submitter. Criteria: Invitae Variant Classification Sherloc (09022015). Collection method: clinical testing. Allele origin: germline.
Comment: This sequence change replaces methionine, which is neutral and non-polar, with valine, which is neutral and non-polar, at codon 900 of the TAF1 protein (p.Met900Val). This variant is present in population databases (rs760338471, gnomAD 0.005%), including at least one homozygous and/or hemizygous individual. This variant has not been reported in the literature in individuals affected with TAF1-related conditions. An algorithm developed to predict the effect of missense changes on protein structure and function (PolyPhen-2) suggests that this variant is likely to be tolerated. In summary, the available evidence is currently insufficient to determine the role of this variant in disease. Therefore, it has been classified as a Variant of Uncertain Significance.

NM_004606.5(TAF1):c.2638A>G (p.Met880Val)

Gene: TAF1 (TATA-box binding protein associated factor 1; plus strand). Cytogenetic location: Xq13.1.
Variant type: single nucleotide variant.
Coding change: c.2638A>G on transcript NM_004606.5 (MANE Select); coding-DNA position 2638, A replaced by G.
Protein change: p.Met880Val; replaces methionine 880 with valine.
Molecular consequence: missense variant. On other transcripts: non-coding transcript variant (9).
Genome position (GRCh38, 1-based): chrX:71,388,806, A>G. VCF-style: chrX-71388806-A-G. GRCh37 (hg19) VCF-style: chrX-70608656-A-G.
Other names: c.2638A>G, p.Met880Val (NM_001286074.2); c.2575A>G, p.Met859Val (NM_138923.4); short protein forms M880V, M859V.
Identifiers: ClinVar variation 3687698 (VCV003687698.2).
Genomic context (GRCh38, chrX:71,388,806, plus strand): 5'-TCAAACTGGTGGGTGCTTAAGTCTGATTTTCGTTTACCAACGGAAGAAGAGATCAGAGCT[A>G]TGGTGTCACCAGAGCAGTGCTGTGCTTATTATAGCATGATAGCTGCAGAGCAACGACTGA-3'
Protein context (NP_004597.3, residues 870-890): RLPTEEEIRA[Met880Val]VSPEQCCAYY